The following is an entry in ClinVar:

ClinVar aggregate classification (germline): Benign. Review status: criteria provided, multiple submitters, no conflicts (2 of 4 stars). 6 submissions from 6 submitters: Benign (4). 2 of the submissions do not count toward it. Last evaluated 2026-02-02.

Conditions:
Hypertrophic cardiomyopathy 16. Identifiers: MedGen C3151204, MONDO:0013455, OMIM 613838.
Hypertrophic cardiomyopathy. Also called: HYPERTROPHIC MYOCARDIOPATHY. Identifiers: Orphanet 217569, MedGen C0007194, MeSH D002312, MONDO:0005045, HP:0001639.

Allele frequency attached by ClinVar (database versions not stated): gnomAD exomes 0.00045 and 0.00106; ExAC 0.00142; gnomAD 0.00452 and 0.00476; TOPMed 0.00498; ESP Exome Variant Server 0.00554; 1000 Genomes Project 30x 0.00640; 1000 Genomes Project 0.00659.
gnomAD v4.1: 1,380 of 1,604,420 alleles (0.086%); highest among the groups gnomAD compares: African/African-American, 1.6%; 15 homozygotes.

Submissions (6):

Labcorp Genetics (formerly Invitae), Labcorp
Classification: Benign for Hypertrophic cardiomyopathy. Last evaluated: 2026-02-02. Review status: criteria provided, single submitter. Criteria: Invitae Variant Classification Sherloc (09022015). Collection method: clinical testing. Allele origin: germline.

Women's Health and Genetics/Laboratory Corporation of America, LabCorp
Classification: Benign. Last evaluated: 2017-08-25. Review status: criteria provided, single submitter. Criteria: LabCorp Variant Classification Summary - May 2015. Collection method: clinical testing. Allele origin: germline.
Comment: Variant summary: The MYOZ2 c.76+19C>T variant involves the alteration of a non-conserved intronic nucleotide. Mutation taster predicts a benign outcome for this variant. 5/5 splice prediction tools predict no significant impact on normal splicing. However, these predictions have yet to be confirmed by functional studies. This variant was found in 159/111960 control chromosomes (3 homozygotes) from ExAC, predominantly observed in the African subpopulation at a frequency of 0.015628 (151/9662). This frequency is about 625 times the estimated maximal expected allele frequency of a pathogenic MYOZ2 variant (0.000025), suggesting this is likely a benign polymorphism found primarily in the populations of African origin. One clinical diagnostic laboratory in ClinVar has classified this variant as benign. The variant of interest has not, to our knowledge, been reported in affected individuals in literature. Taken together, this variant is classified as benign.

Clinical Genetics DNA and cytogenetics Diagnostics Lab, Erasmus MC, Erasmus Medical Center
Classification: Benign for Hypertrophic cardiomyopathy 16. Last evaluated: 2015-09-21. Review status: criteria provided, single submitter. Criteria: ACGS Guidelines, 2013. Collection method: clinical testing. Allele origin: germline. Affected: yes. Study: VKGL Data-share Consensus.

GeneDx
Classification: Benign. Last evaluated: 2014-03-05. Review status: criteria provided, single submitter. Criteria: GeneDx Variant Classification (06012015). Collection method: clinical testing. Allele origin: germline. Affected: yes.
Comment: This variant is considered likely benign or benign based on one or more of the following criteria: it is a conservative change, it occurs at a poorly conserved position in the protein, it is predicted to be benign by multiple in silico algorithms, and/or has population frequency not consistent with disease.

Clinical Genetics, Academic Medical Center
Classification: Benign. Review status: no assertion criteria provided. Collection method: clinical testing. Allele origin: germline. Affected: yes. Study: VKGL Data-share Consensus. Not counted in ClinVar's aggregate classification.

Joint Genome Diagnostic Labs from Nijmegen and Maastricht, Radboudumc and MUMC+
Classification: Likely benign. Review status: no assertion criteria provided. Collection method: clinical testing. Allele origin: germline. Affected: yes. Study: VKGL Data-share Consensus. Not counted in ClinVar's aggregate classification.

NM_016599.5(MYOZ2):c.76+19C>T

Gene: MYOZ2 (myozenin 2; plus strand). Cytogenetic location: 4q26.
Variant type: single nucleotide variant.
Coding change: c.76+19C>T on transcript NM_016599.5 (MANE Select); 19 bases into the intron after coding-DNA position 76, C replaced by T.
Molecular consequence: intron variant.
Genome position (GRCh38, 1-based): chr4:119,136,620, C>T. VCF-style: chr4-119136620-C-T. GRCh37 (hg19) VCF-style: chr4-120057775-C-T.
Identifiers: ClinVar variation 138409 (VCV000138409.15), dbSNP rs77591499, ClinGen allele CA292406.